The following is an entry in ClinVar:

ClinVar aggregate classification (germline): Uncertain significance (1 of 4 stars; one submission).

Conditions:
Hereditary pancreatitis (PCTT). Also called: PRSS1-Related Hereditary Pancreatitis; Hereditary chronic pancreatitis. Identifiers: Orphanet 676, MedGen C0238339, MONDO:0008185, OMIM 167800.

Submission:

Labcorp Genetics (formerly Invitae), Labcorp
Classification: Uncertain significance for Hereditary pancreatitis. Last evaluated: 2025-11-18. Review status: criteria provided, single submitter. Criteria: Invitae Variant Classification Sherloc (09022015). Collection method: clinical testing. Allele origin: germline.
Comment: This sequence change replaces aspartic acid, which is acidic and polar, with glutamic acid, which is acidic and polar, at codon 190 of the CTRC protein (p.Asp190Glu). This variant is not present in population databases (gnomAD no frequency). This variant has not been reported in the literature in individuals affected with CTRC-related conditions. Invitae Evidence Modeling of protein sequence and biophysical properties (such as structural, functional, and spatial information, amino acid conservation, physicochemical variation, residue mobility, and thermodynamic stability) has been performed for this missense variant. However, the output from this modeling did not meet the statistical confidence thresholds required to predict the impact of this variant on CTRC protein function. In summary, the available evidence is currently insufficient to determine the role of this variant in disease. Therefore, it has been classified as a Variant of Uncertain Significance.

NM_007272.3(CTRC):c.570C>G (p.Asp190Glu)

Gene: CTRC (chymotrypsin C; plus strand). Cytogenetic location: 1p36.21.
Variant type: single nucleotide variant.
Coding change: c.570C>G on transcript NM_007272.3 (MANE Select); coding-DNA position 570, C replaced by G.
Protein change: p.Asp190Glu; replaces aspartic acid 190 with glutamic acid.
Molecular consequence: missense variant.
Genome position (GRCh38, 1-based): chr1:15,444,682, C>G. VCF-style: chr1-15444682-C-G. GRCh37 (hg19) VCF-style: chr1-15771177-C-G.
Other names: short protein forms D190E.
Identifiers: ClinVar variation 4737839 (VCV004737839.1).